The following is an entry in ClinVar:

NM_000836.4(GRIN2D):c.3425C>G (p.Ala1142Gly)

Gene: GRIN2D (glutamate ionotropic receptor NMDA type subunit 2D; plus strand). Cytogenetic location: 19q13.33.
Variant type: single nucleotide variant.
Coding change: c.3425C>G on transcript NM_000836.4 (MANE Select); coding-DNA position 3425, C replaced by G.
Protein change: p.Ala1142Gly; replaces alanine 1142 with glycine.
Molecular consequence: missense variant.
Genome position (GRCh38, 1-based): chr19:48,443,351, C>G. VCF-style: chr19-48443351-C-G. GRCh37 (hg19) VCF-style: chr19-48946608-C-G.
Other names: short protein forms A1142G.
Identifiers: ClinVar variation 2082863 (VCV002082863.4), dbSNP rs536539157, ClinGen allele CA406676168.

ClinVar aggregate classification (germline): Uncertain significance (1 of 4 stars; one submission).

gnomAD v4.1: 2 of 1,513,386 alleles (0.00013%); highest among the groups gnomAD compares: African/African-American, 0.0029%; no homozygotes.

Submission:

Labcorp Genetics (formerly Invitae), Labcorp
Classification: Uncertain significance. Last evaluated: 2024-10-28. Review status: criteria provided, single submitter. Criteria: Invitae Variant Classification Sherloc (09022015). Collection method: clinical testing. Allele origin: germline.
Comment: This sequence change replaces alanine, which is neutral and non-polar, with glycine, which is neutral and non-polar, at codon 1142 of the GRIN2D protein (p.Ala1142Gly). This variant is not present in population databases (gnomAD no frequency). This variant has not been reported in the literature in individuals affected with GRIN2D-related conditions. ClinVar contains an entry for this variant (Variation ID: 2082863). Invitae Evidence Modeling of protein sequence and biophysical properties (such as structural, functional, and spatial information, amino acid conservation, physicochemical variation, residue mobility, and thermodynamic stability) indicates that this missense variant is not expected to disrupt GRIN2D protein function with a negative predictive value of 95%. In summary, the available evidence is currently insufficient to determine the role of this variant in disease. Therefore, it has been classified as a Variant of Uncertain Significance.